The following is an entry in ClinVar:

ClinVar aggregate classification (germline): Uncertain significance. Review status: criteria provided, multiple submitters, no conflicts (2 of 4 stars). 2 submissions from 2 submitters: Uncertain significance (2). Last evaluated 2026-01-25.

Conditions:
Primary ciliary dyskinesia. Also called: Ciliary dyskinesia. Identifiers: Orphanet 244, MedGen C0008780, MONDO:0016575, HP:0012265.
Inborn genetic diseases. Identifiers: MedGen C0950123, MeSH D030342.

Submissions (2):

Labcorp Genetics (formerly Invitae), Labcorp
Classification: Uncertain significance for Primary ciliary dyskinesia. Last evaluated: 2026-01-25. Review status: criteria provided, single submitter. Criteria: Invitae Variant Classification Sherloc (09022015). Collection method: clinical testing. Allele origin: germline.
Comment: This sequence change replaces lysine, which is basic and polar, with asparagine, which is neutral and polar, at codon 110 of the CCNO protein (p.Lys110Asn). This variant is not present in population databases (gnomAD no frequency). This variant has not been reported in the literature in individuals affected with CCNO-related conditions. Invitae Evidence Modeling of protein sequence and biophysical properties (such as structural, functional, and spatial information, amino acid conservation, physicochemical variation, residue mobility, and thermodynamic stability) indicates that this missense variant is not expected to disrupt CCNO protein function with a negative predictive value of 80%. In summary, the available evidence is currently insufficient to determine the role of this variant in disease. Therefore, it has been classified as a Variant of Uncertain Significance.

Ambry Genetics
Classification: Uncertain significance for Inborn genetic diseases. Last evaluated: 2025-12-04. Review status: criteria provided, single submitter. Criteria: Ambry Variant Classification Scheme 2023. Collection method: clinical testing. Allele origin: germline.

NM_021147.5(CCNO):c.330G>C (p.Lys110Asn)

Gene: CCNO (cyclin O; minus strand). Cytogenetic location: 5q11.2.
Variant type: single nucleotide variant.
Coding change: c.330G>C on transcript NM_021147.5 (MANE Select); coding-DNA position 330, G replaced by C.
Protein change: p.Lys110Asn; replaces lysine 110 with asparagine.
Molecular consequence: missense variant. On other transcripts: non-coding transcript variant (2).
Genome position (GRCh38, 1-based): chr5:55,233,194, C>G on the plus strand (G>C on the coding strand, the complement: CCNO is on the minus strand). VCF-style: chr5-55233194-C-G. GRCh37 (hg19) VCF-style: chr5-54529022-C-G.
Other names: short protein forms K110N.
Identifiers: ClinVar variation 4607603 (VCV004607603.2).